The following is an entry in ClinVar:

NM_173354.5(SIK1):c.269A>T (p.Tyr90Phe)

Gene: SIK1 (salt inducible kinase 1; minus strand). Cytogenetic location: 21q22.3.
Variant type: single nucleotide variant.
Coding change: c.269A>T on transcript NM_173354.5 (MANE Select); coding-DNA position 269, A replaced by T.
Protein change: p.Tyr90Phe; replaces tyrosine 90 with phenylalanine.
Molecular consequence: missense variant.
Genome position (GRCh38, 1-based): chr21:43,425,411, T>A on the plus strand (A>T on the coding strand, the complement: SIK1 is on the minus strand). VCF-style: chr21-43425411-T-A. GRCh37 (hg19) VCF-style: chr21-44845291-T-A.
Other names: short protein forms Y90F.
Identifiers: ClinVar variation 3631417 (VCV003631417.2).
Genomic context (GRCh38, chr21:43,425,411, plus strand): 5'-AATAAAATATAACACATTTGCCAGGATTAGCAGAGAAAGGCAAGCTGACCCCTTACCTGG[T>A]AAAGCTTTATGATGTGTGGATGGTTCAGAAGCTTCATCAGCTGAACCTCACGATAGATTT-3'
Protein context (NP_775490.2, residues 80-100): LLNHPHIIKL[Tyr90Phe]QVMETKDMLY

ClinVar aggregate classification (germline): Uncertain significance (1 of 4 stars; one submission).

Conditions:
Developmental and epileptic encephalopathy, 30 (DEE30). Also called: Epileptic encephalopathy, early infantile, 30. Identifiers: MedGen C4225360, MONDO:0014595, OMIM 616341.

Submission:

Labcorp Genetics (formerly Invitae), Labcorp
Classification: Uncertain significance for Developmental and epileptic encephalopathy, 30. Last evaluated: 2024-09-01. Review status: criteria provided, single submitter. Criteria: Invitae Variant Classification Sherloc (09022015). Collection method: clinical testing. Allele origin: germline.
Comment: This sequence change replaces tyrosine, which is neutral and polar, with phenylalanine, which is neutral and non-polar, at codon 90 of the SIK1 protein (p.Tyr90Phe). This variant is present in population databases (rs764340887, gnomAD 0.004%). This variant has not been reported in the literature in individuals affected with SIK1-related conditions. Invitae Evidence Modeling of protein sequence and biophysical properties (such as structural, functional, and spatial information, amino acid conservation, physicochemical variation, residue mobility, and thermodynamic stability) indicates that this missense variant is expected to disrupt SIK1 protein function with a positive predictive value of 95%. In summary, the available evidence is currently insufficient to determine the role of this variant in disease. Therefore, it has been classified as a Variant of Uncertain Significance.